The following is an entry in ClinVar:

ClinVar aggregate classification (germline): Pathogenic/Likely pathogenic. Review status: criteria provided, multiple submitters, no conflicts (2 of 4 stars). 5 submissions from 5 submitters: Pathogenic (1); Likely pathogenic (4). Last evaluated 2025-06-01.

Conditions:
Hyperkalemic periodic paralysis. Also called: Gamstorp disease; Familial hyperkalemic periodic paralysis. Identifiers: Orphanet 682, MedGen C0238357, MONDO:0008224, OMIM 170500, HP:0007215.
Hypokalemic periodic paralysis, type 2 (HOKPP2). Identifiers: Orphanet 681, MedGen C2750061, MONDO:0013234, OMIM 613345.
Muscular channelopathy. Identifiers: Orphanet 71864, MedGen C5681306, MONDO:0019119.

Allele frequency attached by ClinVar (database versions not stated): gnomAD exomes below 0.00001; gnomAD 0.00001; TOPMed 0.00001.
gnomAD v4.1: 2 of 1,561,194 alleles (0.00013%); highest among the groups gnomAD compares: Non-Finnish European, 0.000087%; no homozygotes.

Submissions (5):

CeGaT Center for Human Genetics Tuebingen
Classification: Likely pathogenic. Last evaluated: 2025-06-01. Review status: criteria provided, single submitter. Criteria: CeGaT Center For Human Genetics Tuebingen Variant Classification Criteria Version 2. Collection method: clinical testing. Allele origin: germline. Affected: yes. Observed: 1 variant allele.
Comment: SCN4A: PM1, PM5, PM2:Supporting, PP3, PS3:Supporting, PS4:Supporting

Molecular Genetics, Royal Melbourne Hospital
Classification: Likely pathogenic for Muscular channelopathy. Last evaluated: 2023-11-05. Review status: criteria provided, single submitter. Criteria: ACMG Guidelines, 2015. Collection method: clinical testing. Allele origin: germline. Inheritance: Autosomal dominant inheritance. Affected: yes.
Comment: This sequence change in SCN4A is predicted to replace arginine with glutamine at codon 222, p.(Arg222Gln). The arginine residue is highly conserved (100 vertebrates, UCSC), and is a critical arginine residue (equivalent to conserved R2) in the S4 transmembrane helix of the voltage sensing domain (VSD)-I (PMID: 20869590, 29769724). There is a small physicochemical difference between arginine and glutamine. This variant is present in a single Ashkenazi Jewish individual from the population database gnomAD v3.1 (1/3,464 alleles). This variant has been reported in a single individual with a predominantly severe myotonic phenotype with a single heterozygous loss of function pathogenic CLCN1 variant that may also be contributing to the phenotype (PMID: 31772215). In vitro patch-clamp assays with limited validation in HEK293 cells and Xenopus oocytes demonstrated the variant produced both enhanced channel activation (gain of function typically associated with myotonia) and loss of function features (typically associated with hypokalemic periodic paralysis, HypoPP) (PMID: 31772215). Computational evidence predicts a deleterious effect for the missense substitution (REVEL = 0.962). Another missense variant c.664C>T, p.(Arg222Trp) in the same codon with a larger physicochemical difference has been classified as pathogenic for HypoPP (ClinVar ID: 143199). Based on the classification scheme RMH Modified ACMG/AMP Guidelines v1.6.1, this variant is classified as LIKELY PATHOGENIC. Following criteria are met: PM1, PP3_Moderate, PM2_Supporting, PS3_Supporting.

New York Genome Center
Classification: Likely pathogenic for Hypokalemic periodic paralysis, type 2. Last evaluated: 2023-07-11. Review status: criteria provided, single submitter. Criteria: NYGC Assertion Criteria 2020. Collection method: clinical testing. Allele origin: inherited. Observed: 1 variant allele, 1 heterozygote.
Comment: The inherited c.665G>A, p.(Arg222Gln) variant identified in the SCN4A gene results in the substitution of a well conserved Arginine for Glutamine at amino acid 222/1837 within the S4 helix of Voltage Sensing Domain 1 [PMID:34671263, 31772215]. This variant is found with low frequency in population databases (allele frequency:4.53e-6, no homozygotes; gnomADv2.1.1, gnomADv3.1.2, BRAVO-TOPMed, All of Us) suggesting it is not a common benign variant in the populations represented in those databases. In silico algorithms predict this variant to be damaging to protein function (REVEL; score=0.962). The SCN4A c.665G>A, p.(Arg222Gln) variant is reported in ClinVar as Pathogenic (VarID:1331173), and has been reported in one affected individual in the literature [PMID:31772215]. Two different amino acid changes at the same p.Arg222 residue have also been reported in affected individuals in the literature. A glycine change at the p.Arg222 position (p.(Arg222Gly)) is known to be associated with hypoPP and functional studies demonstrate aberrant gaiting effects, enhanced fast and slow inactivation, and the presence of gating pore currents [PMID:22701429, 26659129, 20301512]. A tryptophan change at the p.Arg222 position (p.(Arg222Trp); VarID: 143199) is also a known variant associated with hypoPP, has been reported in many affected individuals in the literature [PMID:36779057, 29991727, 21189962, others], and has also been shown to lead to aberrant gaiting effects, enhanced fast and slow inactivation, and the presence of gating pore currents [PMID:34671263, 20301512]. Functional studies on this variant, p.(Arg222Gln), demonstrate that like p.(Arg222Gly) and p.(Arg222Trp), this variant also leads to aberrant gaiting, enhanced fast and slow activation, and the presence of gating pore currents [PMID:31772215]. Given functional studies demonstrating altered function and presence of gating pore currents, in silico prediction of damaging effect to protein function, low frequency in population databases, and the presence of at least one pathogenic variant at the same amino acid position, the inherited c.665G>A, p.(Arg222Gln) variant identified in the SCN4A gene is reported as Likely Pathogenic

Labcorp Genetics (formerly Invitae), Labcorp
Classification: Likely pathogenic for Hyperkalemic periodic paralysis. Last evaluated: 2023-05-12. Review status: criteria provided, single submitter. Criteria: Invitae Variant Classification Sherloc (09022015). Collection method: clinical testing. Allele origin: germline.
Comment: This missense change has been observed in individuals with clinical features of autosomal dominant SCN4A-related conditions (PMID: 31772215; Invitae). ClinVar contains an entry for this variant (Variation ID: 1331173). The frequency data for this variant in the population databases is considered unreliable, as metrics indicate poor data quality at this position in the gnomAD database. This sequence change replaces arginine, which is basic and polar, with glutamine, which is neutral and polar, at codon 222 of the SCN4A protein (p.Arg222Gln). In summary, the currently available evidence indicates that the variant is pathogenic, but additional data are needed to prove that conclusively. Therefore, this variant has been classified as Likely Pathogenic. Advanced modeling of protein sequence and biophysical properties (such as structural, functional, and spatial information, amino acid conservation, physicochemical variation, residue mobility, and thermodynamic stability) performed at Invitae indicates that this missense variant is expected to disrupt SCN4A protein function. Experimental studies have shown that this missense change affects SCN4A function (PMID: 31772215). This variant disrupts the p.Arg222 amino acid residue in SCN4A. Other variant(s) that disrupt this residue have been determined to be pathogenic (PMID: 19118277, 21189962, 21841462, 29419865). This suggests that this residue is clinically significant, and that variants that disrupt this residue are likely to be disease-causing.

GeneDx
Classification: Pathogenic. Last evaluated: 2021-06-29. Review status: criteria provided, single submitter. Criteria: GeneDx Variant Classification Process June 2021. Collection method: clinical testing. Allele origin: germline. Affected: yes.
Comment: Reported in a heterozygous proband with myotonia congenita who also harbored a variant in the CLCN1 gene (Thor et al., 2019); Published functional studies demonstrate enriched channel activation and inactivation (Thor et al., 2019); Not observed at significant frequency in large population cohorts (Lek et al., 2016); In silico analysis supports that this missense variant has a deleterious effect on protein structure/function; This variant is associated with the following publications: (PMID: 26659129, 25880512, 31772215, 32010054, 32657178, 27535533)

Literature cited by the submitters: PubMed 20869590 (cited by Molecular Genetics, Royal Melbourne Hospital); PubMed 29769724 (cited by Molecular Genetics, Royal Melbourne Hospital); PubMed 31772215 (cited by Molecular Genetics, Royal Melbourne Hospital and Labcorp Genetics (formerly Invitae), Labcorp); PubMed 19118277 (cited by Labcorp Genetics (formerly Invitae), Labcorp); PubMed 21189962 (cited by Labcorp Genetics (formerly Invitae), Labcorp); PubMed 21841462 (cited by Labcorp Genetics (formerly Invitae), Labcorp); PubMed 29419865 (cited by Labcorp Genetics (formerly Invitae), Labcorp).

NM_000334.4(SCN4A):c.665G>A (p.Arg222Gln)

Gene: SCN4A (sodium voltage-gated channel alpha subunit 4; minus strand). Cytogenetic location: 17q23.3.
Variant type: single nucleotide variant.
Coding change: c.665G>A on transcript NM_000334.4 (MANE Select); coding-DNA position 665, G replaced by A.
Protein change: p.Arg222Gln; replaces arginine 222 with glutamine.
Molecular consequence: missense variant.
Genome position (GRCh38, 1-based): chr17:63,971,200, C>T on the plus strand (G>A on the coding strand, the complement: SCN4A is on the minus strand). VCF-style: chr17-63971200-C-T. GRCh37 (hg19) VCF-style: chr17-62048560-C-T.
Other names: short protein forms R222Q.
Identifiers: ClinVar variation 1331173 (VCV001331173.15), dbSNP rs865887222, ClinGen allele CA292972566.
Genomic context (GRCh38, chr17:63,971,200, plus strand): 5'-GGTCCCTGCACCTCCCCAGTACCTGGGATGACCGTGATGGTTTTGAGGGCCCGCAGCACC[C>T]GGAAGGTCCTCAGGGCTGAGATGTTGCCCAAGTCCACAAACTCTGTCAGGTACCTGGGTA-3'
Protein context (NP_000325.4, residues 212-232): LGNISALRTF[Arg222Gln]VLRALKTITV